The following is an entry in ClinVar:

ClinVar aggregate classification (germline): Pathogenic (1 of 4 stars; one submission).

Conditions:
Duchenne muscular dystrophy (DMD). Also called: Duchenne Muscular Dystrophy (DMD); MUSCULAR DYSTROPHY, PSEUDOHYPERTROPHIC PROGRESSIVE, DUCHENNE TYPE. Identifiers: Orphanet 98896, MedGen C0013264, MONDO:0010679, OMIM 310200.

Submission:

Labcorp Genetics (formerly Invitae), Labcorp
Classification: Pathogenic for Duchenne muscular dystrophy. Last evaluated: 2024-10-28. Review status: criteria provided, single submitter. Criteria: Invitae Variant Classification Sherloc (09022015). Collection method: clinical testing. Allele origin: germline.
Comment: This sequence change creates a premature translational stop signal (p.Leu695Trpfs*2) in the DMD gene. It is expected to result in an absent or disrupted protein product. Loss-of-function variants in DMD are known to be pathogenic (PMID: 16770791, 25007885). This variant is not present in population databases (gnomAD no frequency). This variant has not been reported in the literature in individuals affected with DMD-related conditions. For these reasons, this variant has been classified as Pathogenic.

Literature cited by the submitters: PubMed 16770791; PubMed 25007885.

NM_004006.3(DMD):c.2083del (p.Leu695fs)

Gene: DMD (dystrophin; minus strand). Cytogenetic location: Xp21.1.
Variant type: Deletion.
Coding change: c.2083del on transcript NM_004006.3 (MANE Select); coding-DNA position 2083, one base deleted (C; older notation c.2083delC).
Protein change: p.Leu695fs; shifts the reading frame from leucine 695.
Molecular consequence: frameshift variant.
Genome position (GRCh38, 1-based): chrX:32,545,244, G deleted on the plus strand (C on the coding strand, the reverse complement: DMD is on the minus strand); the first of 2 consecutive G bases (chrX:32,545,244-32,545,245); deleting either gives the same sequence. VCF-style (leftmost placement, unchanged base first): chrX-32545243-AG-A. GRCh37 (hg19) VCF-style: chrX-32563360-AG-A.
Other names: c.2059del, p.Leu687fs (NM_000109.4); c.2071del, p.Leu691fs (NM_004009.3); c.1714del, p.Leu572fs (NM_004010.3); short protein forms L695fs, L572fs, L687fs, L691fs.
Identifiers: ClinVar variation 3723121 (VCV003723121.2).